The following is an entry in ClinVar:

ClinVar aggregate classification (germline): Pathogenic. Review status: criteria provided, multiple submitters, no conflicts (2 of 4 stars). 2 submissions from 2 submitters: Pathogenic (2). Last evaluated 2025-02-03.

Conditions:
Familial X-linked hypophosphatemic vitamin D refractory rickets (XLHRD). Also called: X-Linked Hypophosphatemia; Hypophosphatemic Rickets, X-Linked Dominant; HYPOPHOSPHATEMIC VITAMIN D-RESISTANT RICKETS; Hypophosphatemia, vitamin D-resistant rickets; Vitamin D-resistant rickets, X-linked. Identifiers: Orphanet 89936, MedGen C0733682, MONDO:0010619, OMIM 307800.

Allele frequency attached by ClinVar (database versions not stated): ExAC 0.00001.

Submissions (2):

Labcorp Genetics (formerly Invitae), Labcorp
Classification: Pathogenic. Last evaluated: 2025-02-03. Review status: criteria provided, single submitter. Criteria: Invitae Variant Classification Sherloc (09022015). Collection method: clinical testing. Allele origin: germline.
Comment: This sequence change replaces lysine, which is basic and polar, with asparagine, which is neutral and polar, at codon 468 of the PHEX protein (p.Lys468Asn). This variant also falls at the last nucleotide of exon 12, which is part of the consensus splice site for this exon. This variant is not present in population databases (gnomAD no frequency). This missense change has been observed in individual(s) with hypophosphatemic rickets (PMID: 33639975; internal data). It has also been observed to segregate with disease in related individuals. ClinVar contains an entry for this variant (Variation ID: 438531). An algorithm developed to predict the effect of missense changes on protein structure and function (PolyPhen-2) suggests that this variant is likely to be disruptive. Variants that disrupt the consensus splice site are a relatively common cause of aberrant splicing (PMID: 17576681, 9536098). This variant disrupts the c.1404G nucleotide in the PHEX gene. Other variant(s) that disrupt this nucleotide have been determined to be pathogenic (PMID: 32253725, 32772199). This suggests that this nucleotide is clinically significant, and that variants that disrupt this position are likely to be disease-causing. For these reasons, this variant has been classified as Pathogenic.

Institute of Human Genetics Munich, TUM University Hospital
Classification: Pathogenic for Familial X-linked hypophosphatemic vitamin D refractory rickets. Last evaluated: 2013-11-06. Review status: criteria provided, single submitter. Criteria: Classification criteria August 2017. Collection method: clinical testing. Allele origin: de novo, germline. Inheritance: X-linked inheritance. Affected: yes. Observed: 1 heterozygote, 2 hemizygotes.

Literature cited by the submitters: PubMed 33639975 (cited by Labcorp Genetics (formerly Invitae), Labcorp); PubMed 17576681 (cited by Labcorp Genetics (formerly Invitae), Labcorp); PubMed 9536098 (cited by Labcorp Genetics (formerly Invitae), Labcorp); PubMed 32253725 (cited by Labcorp Genetics (formerly Invitae), Labcorp); PubMed 32772199 (cited by Labcorp Genetics (formerly Invitae), Labcorp).

NM_000444.6(PHEX):c.1404G>C (p.Lys468Asn)

Gene: PHEX (phosphate regulating endopeptidase X-linked; plus strand). Cytogenetic location: Xp22.11.
Variant type: single nucleotide variant.
Coding change: c.1404G>C on transcript NM_000444.6 (MANE Select); coding-DNA position 1404, G replaced by C.
Protein change: p.Lys468Asn; replaces lysine 468 with asparagine.
Molecular consequence: missense variant.
Genome position (GRCh38, 1-based): chrX:22,133,624, G>C. VCF-style: chrX-22133624-G-C. GRCh37 (hg19) VCF-style: chrX-22151741-G-C.
Other names: c.1404G>C, p.Lys468Asn (NM_001282754.2); short protein forms K468N.
Identifiers: ClinVar variation 438531 (VCV000438531.12), dbSNP rs754449807, ClinGen allele CA10368231.